The following is an entry in ClinVar:

NM_001388492.1(HTT):c.7498G>A (p.Val2500Ile)

Gene: HTT (huntingtin; plus strand). Cytogenetic location: 4p16.3.
Variant type: single nucleotide variant.
Coding change: c.7498G>A on transcript NM_001388492.1 (MANE Select); coding-DNA position 7498, G replaced by A.
Protein change: p.Val2500Ile; replaces valine 2500 with isoleucine.
Molecular consequence: missense variant.
Genome position (GRCh38, 1-based): chr4:3,223,433, G>A. VCF-style: chr4-3223433-G-A. GRCh37 (hg19) VCF-style: chr4-3225160-G-A.
Other names: c.7504G>A, p.Val2502Ile (NM_002111.8); c.7498G>A (NM_002111.5); short protein forms V2500I, V2502I.
Identifiers: ClinVar variation 1355049 (VCV001355049.7), dbSNP rs371399733, ClinGen allele CA2825386.

ClinVar aggregate classification (germline): Uncertain significance. Review status: criteria provided, multiple submitters, no conflicts (2 of 4 stars). 2 submissions from 2 submitters: Uncertain significance (2). Last evaluated 2024-04-04.

Conditions:
Huntington disease (HD). Also called: HUNTINGTON CHOREA; Huntington's chorea; Huntington's disease. Identifiers: Orphanet 248111, Orphanet 399, MedGen C0020179, MONDO:0007739, OMIM 143100.

Allele frequency attached by ClinVar (database versions not stated): gnomAD 0.00003; TOPMed 0.00004; ESP Exome Variant Server 0.00016.
gnomAD v4.1: 31 of 1,604,380 alleles (0.0019%); highest among the groups gnomAD compares: African/African-American, 0.0027%; no homozygotes.

Submissions (2):

Genomic Medicine Center of Excellence, King Faisal Specialist Hospital and Research Centre
Classification: Uncertain significance for Huntington disease. Last evaluated: 2024-04-04. Review status: criteria provided, single submitter. Criteria: ACMG Guidelines, 2015. Collection method: clinical testing. Allele origin: germline.

Labcorp Genetics (formerly Invitae), Labcorp
Classification: Uncertain significance. Last evaluated: 2021-03-24. Review status: criteria provided, single submitter. Criteria: Invitae Variant Classification Sherloc (09022015). Collection method: clinical testing. Allele origin: germline.
Comment: In summary, the available evidence is currently insufficient to determine the role of this variant in disease. Therefore, it has been classified as a Variant of Uncertain Significance. Experimental studies and prediction algorithms are not available or were not evaluated, and the functional significance of this variant is currently unknown. This variant has not been reported in the literature in individuals with HTT-related conditions. This variant is present in population databases (rs371399733, ExAC 0.003%). This sequence change replaces valine with isoleucine at codon 2502 of the HTT protein (p.Val2502Ile). The valine residue is moderately conserved and there is a small physicochemical difference between valine and isoleucine.